The following is an entry in ClinVar:

ClinVar aggregate classification (germline): Uncertain significance (1 of 4 stars; one submission).

Submission:

GeneDx
Classification: Uncertain significance. Last evaluated: 2024-11-11. Review status: criteria provided, single submitter. Criteria: GeneDx Variant Classification Process June 2021. Collection method: clinical testing. Allele origin: germline. Affected: yes.
Comment: Not observed at significant frequency in large population cohorts (gnomAD); In silico analysis supports that this missense variant has a deleterious effect on protein structure/function; Has not been previously published as pathogenic or benign to our knowledge

NM_001378183.1(PIEZO2):c.7337T>A (p.Phe2446Tyr)

Gene: PIEZO2 (piezo type mechanosensitive ion channel component 2; minus strand). Cytogenetic location: 18p11.22.
Variant type: single nucleotide variant.
Coding change: c.7337T>A on transcript NM_001378183.1 (MANE Select); coding-DNA position 7337, T replaced by A.
Protein change: p.Phe2446Tyr; replaces phenylalanine 2446 with tyrosine.
Molecular consequence: missense variant.
Genome position (GRCh38, 1-based): chr18:10,691,237, A>T on the plus strand (T>A on the coding strand, the complement: PIEZO2 is on the minus strand). VCF-style: chr18-10691237-A-T. GRCh37 (hg19) VCF-style: chr18-10691235-A-T.
Other names: c.7073T>A, p.Phe2358Tyr (NM_001410871.1); c.6998T>A, p.Phe2333Tyr (NM_022068.4); short protein forms F2333Y, F2358Y, F2446Y.
Identifiers: ClinVar variation 3899135 (VCV003899135.1).
Genomic context (GRCh38, chr18:10,691,237, plus strand): 5'-CCGCTATTCTTCCCCCATAAGTGACTGTGACGTTGCAGAGCGTCCTACCCTTGGAATAAG[A>T]AGAGGTTGACGTAATTGTAGCTCTTGGTGAGGAAGTTCCCCAGGACTCGCGTTGGGTAGC-3'
Protein context (NP_001365112.1, residues 2436-2456): LTKSYNYVNL[Phe2446Tyr]LFQGFRLVPF